The following is an entry in ClinVar:

ClinVar aggregate classification (germline): Uncertain significance. Review status: criteria provided, multiple submitters, no conflicts (2 of 4 stars). 2 submissions from 2 submitters: Uncertain significance (2). Last evaluated 2023-06-29.

Conditions:
Hereditary cancer-predisposing syndrome. Also called: Hereditary Cancer Syndrome; Neoplastic Syndromes, Hereditary; Tumor predisposition; Hereditary neoplastic syndrome. Identifiers: Orphanet 140162, MedGen C0027672, MeSH D009386, MONDO:0015356.

Allele frequency attached by ClinVar (database versions not stated): gnomAD exomes 0.00001; ExAC 0.00002.

Submissions (2):

Labcorp Genetics (formerly Invitae), Labcorp
Classification: Uncertain significance for Hereditary cancer-predisposing syndrome. Last evaluated: 2023-06-29. Review status: criteria provided, single submitter. Criteria: Invitae Variant Classification Sherloc (09022015). Collection method: clinical testing. Allele origin: germline.
Comment: ClinVar contains an entry for this variant (Variation ID: 480412). This sequence change replaces methionine, which is neutral and non-polar, with arginine, which is basic and polar, at codon 1197 of the RAD50 protein (p.Met1197Arg). This variant is present in population databases (rs751641472, gnomAD 0.002%). This variant has not been reported in the literature in individuals affected with RAD50-related conditions. Advanced modeling of protein sequence and biophysical properties (such as structural, functional, and spatial information, amino acid conservation, physicochemical variation, residue mobility, and thermodynamic stability) performed at Invitae indicates that this missense variant is expected to disrupt RAD50 protein function. In summary, the available evidence is currently insufficient to determine the role of this variant in disease. Therefore, it has been classified as a Variant of Uncertain Significance.

Ambry Genetics
Classification: Uncertain significance for Hereditary cancer-predisposing syndrome. Last evaluated: 2016-02-17. Review status: criteria provided, single submitter. Criteria: Ambry Variant Classification Scheme 2023. Collection method: clinical testing. Allele origin: germline.
Comment: The p.M1197R variant (also known as c.3590T>G), located in coding exon 23 of the RAD50 gene, results from a T to G substitution at nucleotide position 3590. The methionine at codon 1197 is replaced by arginine, an amino acid with similar properties. This variant was not reported in population based cohorts in the following databases: Database of Single Nucleotide Polymorphisms (dbSNP), NHLBI Exome Sequencing Project (ESP), and 1000 Genomes Project. In the ESP, this variant was not observed in 6503 samples (13006 alleles) with coverage at this position. To date, this alteration has been detected with an allele frequency of approximately 0.001% (greater than 120000 alleles tested) in our clinical cohort. This amino acid position is highly conserved in available vertebrate species. In addition, this alteration is predicted to be deleterious by in silico analysis. Since supporting evidence is limited at this time, the clinical significance of this alteration remains unclear.

NM_005732.4(RAD50):c.3590T>G (p.Met1197Arg)

Genes: TH2LCRR (T helper type 2 locus control region associated RNA; minus strand), RAD50 (RAD50 double strand break repair protein; plus strand), TH2-LCR (Th2 cytokine locus control region; plus strand). Cytogenetic location: 5q31.1.
Variant type: single nucleotide variant.
Coding change: c.3590T>G on transcript NM_005732.4 (MANE Select); coding-DNA position 3590, T replaced by G.
Protein change: p.Met1197Arg; replaces methionine 1197 with arginine.
Molecular consequence: missense variant. On other transcripts: non-coding transcript variant (3).
Genome position (GRCh38, 1-based): chr5:132,638,195, T>G. VCF-style: chr5-132638195-T-G. GRCh37 (hg19) VCF-style: chr5-131973887-T-G.
Other names: short protein forms M1197R.
Identifiers: ClinVar variation 480412 (VCV000480412.11), dbSNP rs751641472, ClinGen allele CA3405619.